The following is an entry in ClinVar:

NM_152393.4(KLHL40):c.1275C>T (p.Gly425=)

Gene: KLHL40 (kelch like family member 40; plus strand). Cytogenetic location: 3p22.1.
Variant type: single nucleotide variant.
Coding change: c.1275C>T on transcript NM_152393.4 (MANE Select); coding-DNA position 1275, C replaced by T.
Protein change: p.Gly425=; no amino-acid change (glycine 425 retained).
Molecular consequence: synonymous variant.
Genome position (GRCh38, 1-based): chr3:42,688,264, C>T. VCF-style: chr3-42688264-C-T. GRCh37 (hg19) VCF-style: chr3-42729756-C-T.
Other names: c.1275C>T (NM_152393.3).
Identifiers: ClinVar variation 1554896 (VCV001554896.10), dbSNP rs557898007, ClinGen allele CA2336876.

ClinVar aggregate classification (germline): Conflicting classifications of pathogenicity. Review status: criteria provided, conflicting classifications (1 of 4 stars). 2 submissions from 2 submitters: Uncertain significance (1); Likely benign (1). Last evaluated 2026-08-04.

Conditions:
Nemaline myopathy 8 (NEM8). Also called: Nemaline myopathy 8, autosomal recessive. Identifiers: Orphanet 171430, MedGen C3809209, MONDO:0014138, OMIM 615348.

Allele frequency attached by ClinVar (database versions not stated): ExAC 0.00007; gnomAD exomes 0.00006; 1000 Genomes Project 30x 0.00031; 1000 Genomes Project 0.00040.

Submissions (2):

GeneDx
Classification: Uncertain significance. Last evaluated: 2026-08-04. Review status: criteria provided, single submitter. Criteria: GeneDx Variant Classification Process June 2021. Collection method: clinical testing. Allele origin: germline.
Comment: Report previously in cohort of patients with autism; this patient also harbored a variant in another gene (PMID: 35982159, 33057194); In silico analysis supports a deleterious effect on splicing; This variant is associated with the following publications: (PMID: 35982159, 33057194)

Labcorp Genetics (formerly Invitae), Labcorp
Classification: Likely benign for Nemaline myopathy 8. Last evaluated: 2026-01-15. Review status: criteria provided, single submitter. Criteria: Invitae Variant Classification Sherloc (09022015). Collection method: clinical testing. Allele origin: germline.